The following is an entry in ClinVar:

NM_001048174.2(MUTYH):c.1558G>C (p.Ala520Pro)

Gene: MUTYH (mutY DNA glycosylase; minus strand). Cytogenetic location: 1p34.1.
Variant type: single nucleotide variant.
Coding change: c.1558G>C on transcript NM_001048174.2 (MANE Select); coding-DNA position 1558, G replaced by C.
Protein change: p.Ala520Pro; replaces alanine 520 with proline.
Molecular consequence: missense variant. On other transcripts: non-coding transcript variant (7).
Genome position (GRCh38, 1-based): chr1:45,329,314, C>G on the plus strand (G>C on the coding strand, the complement: MUTYH is on the minus strand). VCF-style: chr1-45329314-C-G. GRCh37 (hg19) VCF-style: chr1-45794986-C-G.
Other names: c.1558G>C, p.Ala520Pro (NM_001048171.2, NM_001048173.2, NM_001293195.2 and 6 more transcripts); c.1561G>C, p.Ala521Pro (NM_001048172.2, NM_001407071.1, NM_001407078.1 and 1 more transcripts); c.1642G>C, p.Ala548Pro (NM_001128425.2); c.1603G>C, p.Ala535Pro (NM_001293190.2); c.1591G>C, p.Ala531Pro (NM_001293191.2, NM_001407069.1, NM_001407077.1); c.1282G>C, p.Ala428Pro (NM_001293192.2, NM_001293196.2, NM_001407091.1); c.1213G>C, p.Ala405Pro (NM_001350650.2, NM_001350651.2, NM_001407082.1); c.1474G>C, p.Ala492Pro (NM_001407075.1); and 5 more; short protein forms A507P, A520P, A535P, A545P, A428P, A405P, A506P, A548P.
Identifiers: ClinVar variation 4113487 (VCV004113487.1).

ClinVar aggregate classification (germline): Uncertain significance (1 of 4 stars; one submission).

Conditions:
Hereditary cancer-predisposing syndrome. Also called: Hereditary neoplastic syndrome; Neoplastic Syndromes, Hereditary; Tumor predisposition; Hereditary Cancer Syndrome. Identifiers: Orphanet 140162, MedGen C0027672, MeSH D009386, MONDO:0015356.

Submission:

Ambry Genetics
Classification: Uncertain significance for Hereditary cancer-predisposing syndrome. Last evaluated: 2025-08-27. Review status: criteria provided, single submitter. Criteria: Ambry Variant Classification Scheme 2023. Collection method: clinical testing. Allele origin: germline.
Comment: The p.A548P variant (also known as c.1642G>C), located in coding exon 16 of the MUTYH gene, results from a G to C substitution at nucleotide position 1642. The alanine at codon 548 is replaced by proline, an amino acid with highly similar properties. This amino acid position is conserved. In addition, this alteration is predicted to be tolerated by in silico analysis. Based on the available evidence, the clinical significance of this variant remains unclear.